The following is an entry in ClinVar:

ClinVar aggregate classification (germline): Uncertain significance (1 of 4 stars; one submission).

gnomAD v4.1: 1 of 1,613,936 alleles (0.000062%); highest among the groups gnomAD compares: Non-Finnish European, 0.000085%; no homozygotes.

Submission:

GeneDx
Classification: Uncertain significance. Last evaluated: 2023-04-27. Review status: criteria provided, single submitter. Criteria: GeneDx Variant Classification Process June 2021. Collection method: clinical testing. Allele origin: germline. Affected: yes.
Comment: Not observed at significant frequency in large population cohorts (gnomAD); In silico analysis is inconclusive as to whether the variant alters gene splicing. In the absence of RNA/functional studies, the actual effect of this sequence change is unknown.; Has not been previously published as pathogenic or benign to our knowledge

NM_004444.5(EPHB4):c.1756+5G>A

Gene: EPHB4 (EPH receptor B4; minus strand). Cytogenetic location: 7q22.1.
Variant type: single nucleotide variant.
Coding change: c.1756+5G>A on transcript NM_004444.5 (MANE Select); 5 bases into the intron after coding-DNA position 1756, G replaced by A.
Molecular consequence: intron variant.
Genome position (GRCh38, 1-based): chr7:100,813,647, C>T on the plus strand (G>A on the coding strand, the complement: EPHB4 is on the minus strand). VCF-style: chr7-100813647-C-T. GRCh37 (hg19) VCF-style: chr7-100411269-C-T.
Identifiers: ClinVar variation 3343137 (VCV003343137.1).
Genomic context (GRCh38, chr7:100,813,647, plus strand): 5'-ATTATAGATAGGAGCCACCACACCCGGCCCCAAGCCCCTATTCCCATCAAATTAGGGCAA[C>T]CCACCATGTCCGATGAGATACTGTCCGTGTTTGTCCGAATATTCTGCTTCTCTCCCATTG-3'